The following is an entry in ClinVar:

NM_002187.3(IL12B):c.848G>C (p.Arg283Thr)

Gene: IL12B (interleukin 12B; minus strand). Cytogenetic location: 5q33.3.
Variant type: single nucleotide variant.
Coding change: c.848G>C on transcript NM_002187.3 (MANE Select); coding-DNA position 848, G replaced by C.
Protein change: p.Arg283Thr; replaces arginine 283 with threonine.
Molecular consequence: missense variant.
Genome position (GRCh38, 1-based): chr5:159,318,743, C>G on the plus strand (G>C on the coding strand, the complement: IL12B is on the minus strand). VCF-style: chr5-159318743-C-G. GRCh37 (hg19) VCF-style: chr5-158745751-C-G.
Other names: short protein forms R283T.
Identifiers: ClinVar variation 1969595 (VCV001969595.5), dbSNP rs1754031591, ClinGen allele CA362030714.

ClinVar aggregate classification (germline): Uncertain significance (1 of 4 stars; one submission).

Conditions:
Mendelian susceptibility to mycobacterial diseases due to complete IL12B deficiency. Also called: Immunodeficiency 29; IL12B DEFICIENCY. Identifiers: Orphanet 319558, MedGen C4013948, MONDO:0013954, OMIM 614890.

Submission:

Labcorp Genetics (formerly Invitae), Labcorp
Classification: Uncertain significance for Mendelian susceptibility to mycobacterial diseases due to complete IL12B deficiency. Last evaluated: 2024-07-01. Review status: criteria provided, single submitter. Criteria: Invitae Variant Classification Sherloc (09022015). Collection method: clinical testing. Allele origin: germline.
Comment: This sequence change replaces arginine, which is basic and polar, with threonine, which is neutral and polar, at codon 283 of the IL12B protein (p.Arg283Thr). This variant is not present in population databases (gnomAD no frequency). This variant has not been reported in the literature in individuals affected with IL12B-related conditions. ClinVar contains an entry for this variant (Variation ID: 1969595). Advanced modeling of protein sequence and biophysical properties (such as structural, functional, and spatial information, amino acid conservation, physicochemical variation, residue mobility, and thermodynamic stability) performed at Invitae indicates that this missense variant is not expected to disrupt IL12B protein function with a negative predictive value of 80%. In summary, the available evidence is currently insufficient to determine the role of this variant in disease. Therefore, it has been classified as a Variant of Uncertain Significance.